The following is an entry in ClinVar:

ClinVar aggregate classification (germline): Uncertain significance (1 of 4 stars; one submission).

Conditions:
Cholestanol storage disease (CTX). Also called: Cerebrotendinous Xanthomatosis; CEREBRAL CHOLESTERINOSIS; CTX: Cerebrotendinous xanthomatosis. Identifiers: Orphanet 909, MedGen C0238052, MONDO:0008948, OMIM 213700.

Allele frequency attached by ClinVar (database versions not stated): TOPMed 0.00001.

Submission:

Labcorp Genetics (formerly Invitae), Labcorp
Classification: Uncertain significance for Cholestanol storage disease. Last evaluated: 2024-11-04. Review status: criteria provided, single submitter. Criteria: Invitae Variant Classification Sherloc (09022015). Collection method: clinical testing. Allele origin: germline.
Comment: This sequence change replaces valine, which is neutral and non-polar, with alanine, which is neutral and non-polar, at codon 117 of the CYP27A1 protein (p.Val117Ala). This variant is not present in population databases (gnomAD no frequency). This variant has not been reported in the literature in individuals affected with CYP27A1-related conditions. ClinVar contains an entry for this variant (Variation ID: 2149863). Invitae Evidence Modeling of protein sequence and biophysical properties (such as structural, functional, and spatial information, amino acid conservation, physicochemical variation, residue mobility, and thermodynamic stability) indicates that this missense variant is not expected to disrupt CYP27A1 protein function with a negative predictive value of 80%. In summary, the available evidence is currently insufficient to determine the role of this variant in disease. Therefore, it has been classified as a Variant of Uncertain Significance.

NM_000784.4(CYP27A1):c.350T>C (p.Val117Ala)

Gene: CYP27A1 (cytochrome P450 family 27 subfamily A member 1; plus strand). Cytogenetic location: 2q35.
Variant type: single nucleotide variant.
Coding change: c.350T>C on transcript NM_000784.4 (MANE Select); coding-DNA position 350, T replaced by C.
Protein change: p.Val117Ala; replaces valine 117 with alanine.
Molecular consequence: missense variant.
Genome position (GRCh38, 1-based): chr2:218,809,671, T>C. VCF-style: chr2-218809671-T-C. GRCh37 (hg19) VCF-style: chr2-219674394-T-C.
Other names: short protein forms V117A.
Identifiers: ClinVar variation 2149863 (VCV002149863.4), dbSNP rs1943690665, ClinGen allele CA350583354.